The following is an entry in ClinVar:

NM_006231.4(POLE):c.5647G>A (p.Ala1883Thr)

Gene: POLE (DNA polymerase epsilon, catalytic subunit; minus strand). Cytogenetic location: 12q24.33.
Variant type: single nucleotide variant.
Coding change: c.5647G>A on transcript NM_006231.4 (MANE Select); coding-DNA position 5647, G replaced by A.
Protein change: p.Ala1883Thr; replaces alanine 1883 with threonine.
Molecular consequence: missense variant.
Genome position (GRCh38, 1-based): chr12:132,638,045, C>T on the plus strand (G>A on the coding strand, the complement: POLE is on the minus strand). VCF-style: chr12-132638045-C-T. GRCh37 (hg19) VCF-style: chr12-133214631-C-T.
Other names: c.5647G>A (NM_006231.2); short protein forms A1883T.
Identifiers: ClinVar variation 584831 (VCV000584831.3), dbSNP rs1565931961, ClinGen allele CA387373995.
Genomic context (GRCh38, chr12:132,638,045, plus strand): 5'-GCTGCGTCACCAGGACCAGCCAGCCGCACCTGCTGGTGATGTACTCCACGTAAGCGATGG[C>T]ATCTTCCACACGGCGCTTCTTTGTACAGAGGATGATGCGGTTGAAGTTGGCGTAGATGAC-3'
Protein context (NP_006222.2, residues 1873-1893): LCTKKRRVED[Ala1883Thr]IAYVEYITSS

ClinVar aggregate classification (germline): Uncertain significance. Review status: criteria provided, multiple submitters, no conflicts (2 of 4 stars). 2 submissions from 2 submitters: Uncertain significance (2). Last evaluated 2025-10-28.

Conditions:
Hereditary cancer-predisposing syndrome. Also called: Tumor predisposition; Neoplastic Syndromes, Hereditary; Hereditary neoplastic syndrome; Hereditary Cancer Syndrome. Identifiers: Orphanet 140162, MedGen C0027672, MeSH D009386, MONDO:0015356.
Familial colorectal cancer. Identifiers: MedGen CN280943, MONDO:0023113. Disease mechanism: loss of function.

Submissions (2):

Ambry Genetics
Classification: Uncertain significance for Hereditary cancer-predisposing syndrome. Last evaluated: 2025-10-28. Review status: criteria provided, single submitter. Criteria: Ambry Variant Classification Scheme 2023. Collection method: clinical testing. Allele origin: germline.
Comment: The p.A1883T variant (also known as c.5647G>A), located in coding exon 41 of the POLE gene, results from a G to A substitution at nucleotide position 5647. The alanine at codon 1883 is replaced by threonine, an amino acid with similar properties. This amino acid position is conserved. In addition, the in silico prediction for this alteration is inconclusive. Based on the available evidence, the clinical significance of this variant remains unclear.

Mendelics
Classification: Uncertain significance for Familial colorectal cancer. Last evaluated: 2018-07-02. Review status: criteria provided, single submitter. Criteria: Mendelics Assertion Criteria 2017. Collection method: clinical testing. Allele origin: unknown.